The following is an entry in ClinVar:

ClinVar aggregate classification (germline): Uncertain significance (1 of 4 stars; one submission).

Conditions:
Arthrogryposis, distal, type 1A. Also called: ARTHROGRYPOSIS MULTIPLEX CONGENITA, DISTAL, TYPE I. Identifiers: Orphanet 1146, MedGen C6022280, MONDO:0007157, OMIM 108120.

Allele frequency attached by ClinVar (database versions not stated): gnomAD exomes below 0.00001; ExAC 0.00001; gnomAD 0.00001; TOPMed 0.00002.
gnomAD v4.1: 1 of 1,614,014 alleles (0.000062%); highest among the groups gnomAD compares: African/African-American, 0.0013%; no homozygotes.

Submission:

Labcorp Genetics (formerly Invitae), Labcorp
Classification: Uncertain significance for Arthrogryposis, distal, type 1A. Last evaluated: 2023-07-10. Review status: criteria provided, single submitter. Criteria: Invitae Variant Classification Sherloc (09022015). Collection method: clinical testing. Allele origin: germline.
Comment: In summary, the available evidence is currently insufficient to determine the role of this variant in disease. Therefore, it has been classified as a Variant of Uncertain Significance. Advanced modeling of protein sequence and biophysical properties (such as structural, functional, and spatial information, amino acid conservation, physicochemical variation, residue mobility, and thermodynamic stability) performed at Invitae indicates that this missense variant is not expected to disrupt TPM2 protein function. ClinVar contains an entry for this variant (Variation ID: 854258). This variant has not been reported in the literature in individuals affected with TPM2-related conditions. This variant is present in population databases (rs779397499, gnomAD 0.006%). This sequence change replaces leucine, which is neutral and non-polar, with valine, which is neutral and non-polar, at codon 227 of the TPM2 protein (p.Leu227Val).

NM_003289.4(TPM2):c.679C>G (p.Leu227Val)

Gene: TPM2 (tropomyosin 2; minus strand). Cytogenetic location: 9p13.3.
Variant type: single nucleotide variant.
Coding change: c.679C>G on transcript NM_003289.4 (MANE Select); coding-DNA position 679, C replaced by G.
Protein change: p.Leu227Val; replaces leucine 227 with valine.
Molecular consequence: missense variant.
Genome position (GRCh38, 1-based): chr9:35,684,511, G>C on the plus strand (C>G on the coding strand, the complement: TPM2 is on the minus strand). VCF-style: chr9-35684511-G-C. GRCh37 (hg19) VCF-style: chr9-35684508-G-C.
Other names: c.679C>G, p.Leu227Val (NM_001301226.2, NM_001301227.2, NM_213674.1); short protein forms L227V.
Identifiers: ClinVar variation 854258 (VCV000854258.10), dbSNP rs779397499, ClinGen allele CA5047206.
Genomic context (GRCh38, chr9:35,684,511, plus strand): 5'-CTTGAGGGGAGACTGGGAACTGGAAGAGGACTCTCACCTCCTTCAGCTTCTCCTCCAACA[G>C]TTTGATCTCCTCTTCATATTTATCTTCTTTGGTGGAATACTTTTGGGGACACACACACGC-3'
Protein context (NP_003280.2, residues 217-237): KEDKYEEEIK[Leu227Val]LEEKLKEAET